The following is an entry in ClinVar:

ClinVar aggregate classification (germline): Benign. Review status: criteria provided, multiple submitters, no conflicts (2 of 4 stars). 2 submissions from 2 submitters: Benign (2). Last evaluated 2018-06-14.

Allele frequency attached by ClinVar (database versions not stated): 1000 Genomes Project 30x 0.61337; 1000 Genomes Project 0.61502; TOPMed 0.71705; gnomAD 0.73473 and 0.73567; gnomAD exomes 0.82373.

Submissions (2):

GeneDx
Classification: Benign. Last evaluated: 2018-06-14. Review status: criteria provided, single submitter. Criteria: GeneDx Variant Classification (06012015). Collection method: clinical testing. Allele origin: germline. Affected: yes.
Comment: This variant is considered likely benign or benign based on one or more of the following criteria: it is a conservative change, it occurs at a poorly conserved position in the protein, it is predicted to be benign by multiple in silico algorithms, and/or has population frequency not consistent with disease.

Breakthrough Genomics
Classification: Benign. Review status: criteria provided, single submitter. Criteria: ACMG Guidelines, 2015. Collection method: not provided. Allele origin: germline. Inheritance: Autosomal recessive inheritance. Affected: yes.

NM_004553.6(NDUFS6):c.133-206C>T

Gene: NDUFS6 (NADH:ubiquinone oxidoreductase subunit S6; plus strand). Cytogenetic location: 5p15.33.
Variant type: single nucleotide variant.
Coding change: c.133-206C>T on transcript NM_004553.6 (MANE Select); 206 bases into the intron before coding-DNA position 133, C replaced by T.
Molecular consequence: intron variant.
Genome position (GRCh38, 1-based): chr5:1,802,115, C>T. VCF-style: chr5-1802115-C-T. GRCh37 (hg19) VCF-style: chr5-1802229-C-T.
Identifiers: ClinVar variation 683111 (VCV000683111.2), dbSNP rs1845288, ClinGen allele CA12077459.